The following is an entry in ClinVar:

ClinVar aggregate classification (germline): Likely benign (1 of 4 stars; one submission).

Submission:

GeneDx
Classification: Likely benign. Last evaluated: 2021-05-23. Review status: criteria provided, single submitter. Criteria: GeneDx Variant Classification Process June 2021. Collection method: clinical testing. Allele origin: germline. Affected: yes.
Comment: See Variant Classification Assertion Criteria.

NM_015065.3(EXPH5):c.*140dup

Gene: EXPH5 (exophilin 5; minus strand). Cytogenetic location: 11q22.3.
Variant type: Duplication.
Coding change: c.*140dup on transcript NM_015065.3 (MANE Select); 140 bases downstream of the stop codon, one base duplicated (T; older notation c.*140dupT).
Molecular consequence: 3 prime UTR variant.
Genome position (GRCh38, 1-based): chr11:108,509,397, A duplicated on the plus strand (T on the coding strand, the reverse complement: EXPH5 is on the minus strand); the first of 8 consecutive A bases (chr11:108,509,397-108,509,404); duplicating any one gives the same sequence. VCF-style (leftmost placement, unchanged base first): chr11-108509396-G-GA. GRCh37 (hg19) VCF-style: chr11-108380123-G-GA.
Other names: c.*140dup (NM_001144763.2, NM_001144764.2, NM_001144765.2 and 1 more transcripts).
Identifiers: ClinVar variation 2499330 (VCV002499330.1), dbSNP rs201174655, ClinGen allele CA228434167.
Genomic context (GRCh38, chr11:108,509,396, plus strand): 5'-TCTCTCAAAACAAGAATTCATTGTTCTAGCATTCAGGAAGTGTCTATATAGGGTGTGGAG[G>GA]AAAAAAAAGGAGATGTGGGACATTTCAGAGCAGACACTGCCCAGACTAGATCTTTTATCC-3'